The following is an entry in ClinVar:

ClinVar aggregate classification (germline): Uncertain significance (1 of 4 stars; one submission).

Conditions:
SDCCAG8-related disorder. Also called: SDCCAG8-Related Disorders; SDCCAG8-related condition.

gnomAD v4.1: 2 of 761,744 alleles (0.00026%); highest among the groups gnomAD compares: Non-Finnish European, 0.00023%; no homozygotes.

Submission:

PreventionGenetics, part of Exact Sciences
Classification: Uncertain significance for SDCCAG8-related condition. Last evaluated: 2025-07-23. Review status: criteria provided, single submitter. Criteria: ACMG Guidelines, 2015. Collection method: clinical testing. Allele origin: germline.
Comment: The SDCCAG8 c.677A>G variant is predicted to result in the amino acid substitution p.Asn226Ser. To our knowledge, this variant has not been reported in the literature or in a large population database (gnomAD), indicating this variant is rare. At this time, the clinical significance of this variant is uncertain due to the absence of conclusive functional and genetic evidence.

NM_006642.5(SDCCAG8):c.675+181A>G

Gene: SDCCAG8 (SHH signaling and ciliogenesis regulator SDCCAG8; plus strand). Cytogenetic location: 1q43.
Variant type: single nucleotide variant.
Coding change: c.675+181A>G on transcript NM_006642.5 (MANE Select); 181 bases into the intron after coding-DNA position 675, A replaced by G.
Molecular consequence: intron variant. On other transcripts: missense variant (1), 5 prime UTR variant (1).
Genome position (GRCh38, 1-based): chr1:243,293,400, A>G. VCF-style: chr1-243293400-A-G. GRCh37 (hg19) VCF-style: chr1-243456702-A-G.
Other names: c.677A>G, p.Asn226Ser (NM_001350248.2); c.-697A>G (NM_001350251.2); c.381+181A>G (NM_001350249.2); c.-438+181A>G (NM_001350246.2); c.-326+181A>G (NM_001350247.2); short protein forms N226S.
Identifiers: ClinVar variation 5001930 (VCV005001930.1).